The following is an entry in ClinVar:

ClinVar aggregate classification (germline): Uncertain significance (1 of 4 stars; one submission).

Submission:

Labcorp Genetics (formerly Invitae), Labcorp
Classification: Uncertain significance. Last evaluated: 2022-03-31. Review status: criteria provided, single submitter. Criteria: Invitae Variant Classification Sherloc (09022015). Collection method: clinical testing. Allele origin: germline.
Comment: In summary, the available evidence is currently insufficient to determine the role of this variant in disease. Therefore, it has been classified as a Variant of Uncertain Significance. Algorithms developed to predict the effect of missense changes on protein structure and function are either unavailable or do not agree on the potential impact of this missense change (SIFT: "Deleterious"; PolyPhen-2: "Possibly Damaging"; Align-GVGD: "Class C0"). This variant has not been reported in the literature in individuals affected with MICAL1-related conditions. This variant is not present in population databases (gnomAD no frequency). This sequence change replaces aspartic acid, which is acidic and polar, with histidine, which is basic and polar, at codon 761 of the MICAL1 protein (p.Asp761His).

NM_022765.4(MICAL1):c.2224G>C (p.Asp742His)

Gene: MICAL1 (microtubule associated monooxygenase, calponin and LIM domain containing 1; minus strand). Cytogenetic location: 6q21.
Variant type: single nucleotide variant.
Coding change: c.2224G>C on transcript NM_022765.4 (MANE Select); coding-DNA position 2224, G replaced by C.
Protein change: p.Asp742His; replaces aspartic acid 742 with histidine.
Molecular consequence: missense variant.
Genome position (GRCh38, 1-based): chr6:109,447,076, C>G on the plus strand (G>C on the coding strand, the complement: MICAL1 is on the minus strand). VCF-style: chr6-109447076-C-G. GRCh37 (hg19) VCF-style: chr6-109768279-C-G.
Other names: c.1966G>C, p.Asp656His (NM_001159291.2); c.2281G>C, p.Asp761His (NM_001286613.2); short protein forms D761H, D656H, D742H.
Identifiers: ClinVar variation 2119967 (VCV002119967.4), dbSNP rs1582639743, ClinGen allele CA365225108.